The following is an entry in ClinVar:

ClinVar aggregate classification (germline): Pathogenic. Review status: reviewed by expert panel (3 of 4 stars). 6 submissions from 6 submitters: Pathogenic (1). 5 of the submissions do not count toward it. Last evaluated 2025-08-15.

Conditions:
Hereditary factor VIII deficiency disease (HEMA). Also called: Hemophilia A; Hemophilia A, congenital; HEM A; Factor 8 deficiency, congenital; HEMOPHILIA, CLASSIC; AUTOSOMAL HEMOPHILIA A. Identifiers: Orphanet 98878, MedGen C0019069, MONDO:0010602, OMIM 306700.

Allele frequency attached by ClinVar (database versions not stated): ExAC 0.00001; gnomAD exomes 0.00001; TOPMed 0.00002.
gnomAD v4.1: 3 of 1,211,461 alleles (0.00025%); highest among the groups gnomAD compares: Non-Finnish European, 0.00022%; no homozygotes.

Submissions (6):

ClinGen Coagulation Factor Deficiency Variant Curation Expert Panel, Clingen
Classification: Pathogenic for Hereditary factor VIII deficiency disease. Last evaluated: 2025-08-15. Review status: reviewed by expert panel. Criteria: ClinGen CoagFactor ACMG Specifications F8 V1.0.0. Collection method: curation. Allele origin: germline. Inheritance: X-linked inheritance.
Comment: The NM_000132.4(F8):c.6658G>C; p.Ala2220Pro is absent in males in gnomAD database v.2.1.1 (PM2_Supporting). The computational predictor REVEL gives a score of 0.713, which is above the threshold of 0.6, evidence that correlates with impact to F8 function (PP3). This variant has been reported in at least 17 individuals with mild/moderate hemophilia A (PMID: 18034765 ; 20536985, 10910913, 29296726), meeting the PS4_Very Strong & PP4_Moderate criteria. This variant was found to co-segregate with the disease in multiple affected family members, with 7 meioses observed in one family (PP1_Moderate; PMID: 20536985). This variant has also been associated with incidence of inhibitor development to factor replacement products (PMID: 18034765). In summary, this variant meets criteria to be classified as pathogenic. ACMG/AMP criteria applied, as specified by the ClinGen Coagulation Factor Deficiency Expert Panel Specifications to the ACMG/AMP Variant Interpretation Guidelines for F8 Version 1.0.0: PM2_Supporting, PP3, PS4_Very Strong, PP4_Moderate, PP1_Moderate.

Clinical Genetics Laboratory, Skane University Hospital Lund
Classification: Pathogenic for Hereditary factor VIII deficiency disease. Last evaluated: 2026-03-11. Review status: criteria provided, single submitter. Criteria: ACMG Guidelines, 2015. Collection method: clinical testing. Allele origin: germline. Inheritance: X-linked inheritance. Affected: yes. Not counted in ClinVar's aggregate classification.
Comment: F8 (NM_000132.4) c.6658G>C, p.(Ala2220Pro) represents a nucleotide substitution in exon 24 of 26, resulting in the amino acid change indicated above, which is predicted to be deleterious to protein function. F8 c.6658G>C has not been detected in males in the general population (gnomAD v4.1.0) and has been reported in the literature in individuals with mild/moderate hemophilia A (PMID: 18034765, 20536985, 10910913, 29296726), and has previously been expert-classified as pathogenic in the ClinVar database (Accession: VCV001029498.9). The variant segregates with the related phenotype in multiple families (1 family with 7 documented meioses, PMID: 20536985). The variant has been classified as pathogenic using gene-specific criteria (ClinGen Coagulation Factor Deficiency Expert Panel Specifications to the ACMG/AMP Variant Interpretation Guidelines for F8 Version 2.0.0): PS4_Very Strong, PM2_Supporting, PP1_Moderate, PP3, PP4_Moderate.

GeneDx
Classification: Uncertain significance. Last evaluated: 2025-04-06. Review status: criteria provided, single submitter. Criteria: GeneDx Variant Classification Process June 2021. Collection method: clinical testing. Allele origin: germline. Affected: yes. Not counted in ClinVar's aggregate classification.
Comment: In silico analysis supports that this missense variant has a deleterious effect on protein structure/function; Not observed at significant frequency in large population cohorts (gnomAD); This variant is associated with the following publications: (PMID: 19473423, 23711294, 10910913, 20536985, 22103590)

Women's Health and Genetics/Laboratory Corporation of America, LabCorp
Classification: Likely pathogenic for Hereditary factor VIII deficiency disease. Last evaluated: 2025-01-20. Review status: criteria provided, single submitter. Criteria: LabCorp Variant Classification Summary - May 2015. Collection method: clinical testing. Allele origin: germline. Not counted in ClinVar's aggregate classification.
Comment: Variant summary: F8 c.6658G>C (p.Ala2220Pro) results in a non-conservative amino acid change located in the Coagulation factor 5/8, C-terminal domain (IPR000421) of the encoded protein sequence. Four of five in-silico tools predict a damaging effect of the variant on protein function. The variant allele was found at a frequency of 5.5e-06 in 183415 control chromosomes. c.6658G>C has been reported in the literature in the hemizygous state in at least four related individuals affected with Factor VIII Deficiency (Hemophilia A) who have likely been included in other publications/cohorts (Ettinger_2010). These data indicate that the variant is likely to be associated with disease. To our knowledge, no experimental evidence demonstrating an impact on protein function has been reported. The following publications have been ascertained in the context of this evaluation (PMID: 20536985, 18034765, 35770352, 10910913, 22103590, 23711294). ClinVar contains an entry for this variant (Variation ID: 1029498). Based on the evidence outlined above, the variant was classified as likely pathogenic.

Baylor Genetics
Classification: Uncertain significance for Hereditary factor VIII deficiency disease. Last evaluated: 2020-03-12. Review status: criteria provided, single submitter. Criteria: ACMG Guidelines, 2015. Collection method: clinical testing. Allele origin: unknown. Affected: yes. Not counted in ClinVar's aggregate classification.
Comment: This variant was determined to be of uncertain significance according to ACMG Guidelines, 2015 [PMID:25741868].

Mayo Clinic Laboratories, Mayo Clinic
Classification: Likely pathogenic. Last evaluated: 2020-02-26. Review status: criteria provided, single submitter. Criteria: ACMG Guidelines, 2015. Collection method: clinical testing. Allele origin: germline. Observed: 1 variant allele. Not counted in ClinVar's aggregate classification.
Comment: PS4_moderate, PM2, PP1, PP5

Literature cited by the submitters: PubMed 18034765 (cited by Clinical Genetics Laboratory, Skane University Hospital Lund and Women's Health and Genetics/Laboratory Corporation of America, LabCorp); PubMed 20536985 (cited by 3 submitters); PubMed 10910913 (cited by 3 submitters); PubMed 29296726 (cited by Clinical Genetics Laboratory, Skane University Hospital Lund); PubMed 35770352 (cited by Women's Health and Genetics/Laboratory Corporation of America, LabCorp); PubMed 23711294 (cited by Women's Health and Genetics/Laboratory Corporation of America, LabCorp and Mayo Clinic Laboratories, Mayo Clinic); PubMed 22103590 (cited by Women's Health and Genetics/Laboratory Corporation of America, LabCorp); PubMed 19473423 (cited by Mayo Clinic Laboratories, Mayo Clinic).

NM_000132.4(F8):c.6658G>C (p.Ala2220Pro)

Gene: F8 (coagulation factor VIII; minus strand). Cytogenetic location: Xq28.
Variant type: single nucleotide variant.
Coding change: c.6658G>C on transcript NM_000132.4 (MANE Select); coding-DNA position 6658, G replaced by C.
Protein change: p.Ala2220Pro; replaces alanine 2220 with proline.
Molecular consequence: missense variant.
Genome position (GRCh38, 1-based): chrX:154,861,783, C>G on the plus strand (G>C on the coding strand, the complement: F8 is on the minus strand). VCF-style: chrX-154861783-C-G. GRCh37 (hg19) VCF-style: chrX-154090058-C-G.
Other names: NM_000132.4(F8):c.6658G>C; c.253G>C, p.Ala85Pro (NM_019863.3); short protein forms A85P, A2220P.
Identifiers: ClinVar variation 1029498 (VCV001029498.10), dbSNP rs782548763, ClinGen allele CA10567779.